The following is an entry in ClinVar:

NM_031483.7(ITCH):c.1049T>C (p.Leu350Pro)

Gene: ITCH (itchy E3 ubiquitin protein ligase; plus strand). Cytogenetic location: 20q11.22.
Variant type: single nucleotide variant.
Coding change: c.1049T>C on transcript NM_031483.7 (MANE Select); coding-DNA position 1049, T replaced by C.
Protein change: p.Leu350Pro; replaces leucine 350 with proline.
Molecular consequence: missense variant.
Genome position (GRCh38, 1-based): chr20:34,445,370, T>C. VCF-style: chr20-34445370-T-C. GRCh37 (hg19) VCF-style: chr20-33033175-T-C.
Other names: c.1172T>C, p.Leu391Pro (NM_001257137.3, NM_001324197.2); c.719T>C, p.Leu240Pro (NM_001257138.3); c.1049T>C, p.Leu350Pro (NM_001324198.2); short protein forms L350P, L240P, L391P.
Identifiers: ClinVar variation 2094241 (VCV002094241.4), dbSNP rs778268568, ClinGen allele CA9821551.

ClinVar aggregate classification (germline): Uncertain significance (1 of 4 stars; one submission).

Conditions:
Syndromic multisystem autoimmune disease due to ITCH deficiency. Also called: AUTOIMMUNE DISEASE, MULTISYSTEM, WITH FACIAL DYSMORPHISM. Identifiers: Orphanet 228426, MedGen C3150649, MONDO:0013245, OMIM 613385.

Allele frequency attached by ClinVar (database versions not stated): gnomAD 0.00001; gnomAD exomes 0.00001; ExAC 0.00002.
gnomAD v4.1: 7 of 1,613,372 alleles (0.00043%); highest among the groups gnomAD compares: South Asian, 0.0077%; no homozygotes.

Submission:

Labcorp Genetics (formerly Invitae), Labcorp
Classification: Uncertain significance for Syndromic multisystem autoimmune disease due to ITCH deficiency. Last evaluated: 2022-02-06. Review status: criteria provided, single submitter. Criteria: Invitae Variant Classification Sherloc (09022015). Collection method: clinical testing. Allele origin: germline.
Comment: In summary, the available evidence is currently insufficient to determine the role of this variant in disease. Therefore, it has been classified as a Variant of Uncertain Significance. Algorithms developed to predict the effect of missense changes on protein structure and function are either unavailable or do not agree on the potential impact of this missense change (SIFT: "Not Available"; PolyPhen-2: "Benign"; Align-GVGD: "Not Available"). This variant has not been reported in the literature in individuals affected with ITCH-related conditions. This variant is present in population databases (rs778268568, gnomAD 0.006%). This sequence change replaces leucine, which is neutral and non-polar, with proline, which is neutral and non-polar, at codon 350 of the ITCH protein (p.Leu350Pro).